The following is an entry in ClinVar:

NM_001195263.2(PDZD7):c.1937G>A (p.Arg646Gln)

Gene: PDZD7 (PDZ domain containing 7; minus strand). Cytogenetic location: 10q24.31.
Variant type: single nucleotide variant.
Coding change: c.1937G>A on transcript NM_001195263.2 (MANE Select); coding-DNA position 1937, G replaced by A.
Protein change: p.Arg646Gln; replaces arginine 646 with glutamine.
Molecular consequence: missense variant.
Genome position (GRCh38, 1-based): chr10:101,011,758, C>T on the plus strand (G>A on the coding strand, the complement: PDZD7 is on the minus strand). VCF-style: chr10-101011758-C-T. GRCh37 (hg19) VCF-style: chr10-102771515-C-T.
Other names: short protein forms R646Q.
Identifiers: ClinVar variation 1920200 (VCV001920200.3), dbSNP rs764533451, ClinGen allele CA5654012.

ClinVar aggregate classification (germline): Uncertain significance. Review status: criteria provided, multiple submitters, no conflicts (2 of 4 stars). 2 submissions from 2 submitters: Uncertain significance (2). Last evaluated 2022-03-11.

Allele frequency attached by ClinVar (database versions not stated): gnomAD 0.00001; gnomAD exomes 0.00001; ExAC 0.00007.
gnomAD v4.1: 17 of 1,549,304 alleles (0.0011%); highest among the groups gnomAD compares: South Asian, 0.017%; no homozygotes.

Submissions (2):

Labcorp Genetics (formerly Invitae), Labcorp
Classification: Uncertain significance. Last evaluated: 2022-03-11. Review status: criteria provided, single submitter. Criteria: Invitae Variant Classification Sherloc (09022015). Collection method: clinical testing. Allele origin: germline.
Comment: This sequence change replaces arginine, which is basic and polar, with glutamine, which is neutral and polar, at codon 646 of the PDZD7 protein (p.Arg646Gln). This variant is present in population databases (rs764533451, gnomAD 0.03%). This variant has not been reported in the literature in individuals affected with PDZD7-related conditions. Algorithms developed to predict the effect of missense changes on protein structure and function are either unavailable or do not agree on the potential impact of this missense change (SIFT: "Deleterious"; PolyPhen-2: "Not Available"; Align-GVGD: "Class C0"). Algorithms developed to predict the effect of sequence changes on RNA splicing suggest that this variant may create or strengthen a splice site. In summary, the available evidence is currently insufficient to determine the role of this variant in disease. Therefore, it has been classified as a Variant of Uncertain Significance.

Blueprint Genetics
Classification: Uncertain significance. Last evaluated: 2020-07-29. Review status: criteria provided, single submitter. Criteria: ACMG Guidelines, 2015. Collection method: clinical testing. Allele origin: germline.